The following is an entry in ClinVar:

ClinVar aggregate classification (germline): Uncertain significance (1 of 4 stars; one submission).

Allele frequency attached by ClinVar (database versions not stated): gnomAD 0.00001; TOPMed 0.00001.
gnomAD v4.1: 2 of 1,613,870 alleles (0.00012%); no homozygotes.

Submission:

Labcorp Genetics (formerly Invitae), Labcorp
Classification: Uncertain significance. Last evaluated: 2025-09-02. Review status: criteria provided, single submitter. Criteria: Invitae Variant Classification Sherloc (09022015). Collection method: clinical testing. Allele origin: germline.
Comment: This sequence change falls in intron 63 of the CDH23 gene. It does not directly change the encoded amino acid sequence of the CDH23 protein. It affects a nucleotide within the consensus splice site. This variant is not present in population databases (gnomAD no frequency). This variant has not been reported in the literature in individuals affected with CDH23-related conditions. ClinVar contains an entry for this variant (Variation ID: 2421688). Variants that disrupt the consensus splice site are a relatively common cause of aberrant splicing (PMID: 17576681, 9536098). Algorithms developed to predict the effect of sequence changes on RNA splicing suggest that this variant is not likely to affect RNA splicing. In summary, the available evidence is currently insufficient to determine the role of this variant in disease. Therefore, it has been classified as a Variant of Uncertain Significance.

Literature cited by the submitters: PubMed 17576681; PubMed 9536098.

NM_022124.6(CDH23):c.9198+4C>G

Gene: CDH23 (cadherin related 23; plus strand). Cytogenetic location: 10q22.1.
Variant type: single nucleotide variant.
Coding change: c.9198+4C>G on transcript NM_022124.6 (MANE Select); 4 bases into the intron after coding-DNA position 9198, C replaced by G.
Molecular consequence: intron variant.
Genome position (GRCh38, 1-based): chr10:71,811,439, C>G. VCF-style: chr10-71811439-C-G. GRCh37 (hg19) VCF-style: chr10-73571196-C-G.
Other names: c.2478+4C>G (NM_001171933.1, NM_001171934.1).
Identifiers: ClinVar variation 2421688 (VCV002421688.4), dbSNP rs1283722190, ClinGen allele CA668123958.